The following is an entry in ClinVar:

ClinVar aggregate classification (germline): Uncertain significance. Review status: criteria provided, multiple submitters, no conflicts (2 of 4 stars). 2 submissions from 2 submitters: Uncertain significance (2). Last evaluated 2024-06-12.

Conditions:
Holoprosencephaly 11 (HPE11). Identifiers: Orphanet 2162, MedGen C3280215, MONDO:0013642, OMIM 614226.

Allele frequency attached by ClinVar (database versions not stated): TOPMed below 0.00001; gnomAD 0.00001 and 0.00002; ExAC 0.00002; gnomAD exomes 0.00002 and 0.00003.
gnomAD v4.1: 40 of 1,613,878 alleles (0.0025%); highest among the groups gnomAD compares: East Asian, 0.058%; no homozygotes.

Submissions (2):

Labcorp Genetics (formerly Invitae), Labcorp
Classification: Uncertain significance for Holoprosencephaly 11. Last evaluated: 2024-06-12. Review status: criteria provided, single submitter. Criteria: Invitae Variant Classification Sherloc (09022015). Collection method: clinical testing. Allele origin: germline.
Comment: This sequence change replaces glycine, which is neutral and non-polar, with arginine, which is basic and polar, at codon 747 of the CDON protein (p.Gly747Arg). This variant is present in population databases (rs745363657, gnomAD 0.004%). This variant has not been reported in the literature in individuals affected with CDON-related conditions. ClinVar contains an entry for this variant (Variation ID: 303501). Advanced modeling of protein sequence and biophysical properties (such as structural, functional, and spatial information, amino acid conservation, physicochemical variation, residue mobility, and thermodynamic stability) performed at Invitae indicates that this missense variant is not expected to disrupt CDON protein function with a negative predictive value of 80%. In summary, the available evidence is currently insufficient to determine the role of this variant in disease. Therefore, it has been classified as a Variant of Uncertain Significance.

Illumina Laboratory Services, Illumina
Classification: Uncertain significance for Holoprosencephaly 11. Last evaluated: 2018-01-12. Review status: criteria provided, single submitter. Criteria: ICSL Variant Classification Criteria 13 December 2019. Collection method: clinical testing. Allele origin: germline.

NM_001378964.1(CDON):c.2239G>A (p.Gly747Arg)

Gene: CDON (cell adhesion associated, oncogene regulated; minus strand). Cytogenetic location: 11q24.2.
Variant type: single nucleotide variant.
Coding change: c.2239G>A on transcript NM_001378964.1 (MANE Select); coding-DNA position 2239, G replaced by A.
Protein change: p.Gly747Arg; replaces glycine 747 with arginine.
Molecular consequence: missense variant.
Genome position (GRCh38, 1-based): chr11:125,997,330, C>T on the plus strand (G>A on the coding strand, the complement: CDON is on the minus strand). VCF-style: chr11-125997330-C-T. GRCh37 (hg19) VCF-style: chr11-125867225-C-T.
Other names: c.2239G>A, p.Gly747Arg (NM_001243597.3, NM_016952.6); short protein forms G747R.
Identifiers: ClinVar variation 303501 (VCV000303501.7), dbSNP rs745363657, ClinGen allele CA6351798.